The following is an entry in ClinVar:

NM_007294.4(BRCA1):c.5143A>C (p.Ser1715Arg)

Gene: BRCA1 (BRCA1 DNA repair associated; minus strand). Cytogenetic location: 17q21.31.
Variant type: single nucleotide variant.
Coding change: c.5143A>C on transcript NM_007294.4 (MANE Select); coding-DNA position 5143, A replaced by C.
Protein change: p.Ser1715Arg; replaces serine 1715 with arginine.
Molecular consequence: missense variant. On other transcripts: non-coding transcript variant (1).
Genome position (GRCh38, 1-based): chr17:43,063,883, T>G on the plus strand (A>C on the coding strand, the complement: BRCA1 is on the minus strand). VCF-style: chr17-43063883-T-G. GRCh37 (hg19) VCF-style: chr17-41215900-T-G.
Other names: 5262A>C; c.5140A>C, p.Ser1714Arg (NM_001407613.1, NM_001407614.1, NM_001407615.1 and 17 more transcripts); c.5137A>C, p.Ser1713Arg (NM_001407632.1, NM_001407633.1, NM_001407634.1 and 14 more transcripts); c.5065A>C, p.Ser1689Arg (NM_001407655.1, NM_001407653.1, NM_001407654.1); c.5062A>C, p.Ser1688Arg (NM_001407656.1, NM_001407657.1, NM_001407658.1); c.5059A>C, p.Ser1687Arg (NM_001407659.1, NM_001407660.1, NM_001407661.1 and 2 more transcripts); c.5020A>C, p.Ser1674Arg (NM_001407664.1, NM_001407919.1, NM_001407937.1 and 6 more transcripts); c.5017A>C, p.Ser1673Arg (NM_001407674.1, NM_001407675.1, NM_001407676.1 and 10 more transcripts); and 72 more; short protein forms S1715R, S1668R, S611R, S1736R, S1419R, S1561R, S1586R, S1587R.
Identifiers: ClinVar variation 55414 (VCV000055414.27), dbSNP rs80357222, ClinGen allele CA003264.

ClinVar aggregate classification (germline): Pathogenic. Review status: reviewed by expert panel (3 of 4 stars). 9 submissions from 9 submitters: Pathogenic (1). 8 of the submissions do not count toward it. Last evaluated 2015-08-10.

Conditions:
Hereditary cancer-predisposing syndrome. Also called: Hereditary Cancer Syndrome; Hereditary neoplastic syndrome; Neoplastic Syndromes, Hereditary; Tumor predisposition. Identifiers: Orphanet 140162, MedGen C0027672, MeSH D009386, MONDO:0015356.
Hereditary breast ovarian cancer syndrome. Also called: BRCA1- and BRCA2-Associated Hereditary Breast and Ovarian Cancer; Hereditary breast and ovarian cancer syndrome; Hereditary breast and ovarian cancer syndrome (HBOC); Breast and ovarian cancer; Hereditary breast and/or ovarian cancer syndrome; Hereditary breast and ovarian cancer. Identifiers: Orphanet 145, MedGen C0677776, MeSH D061325, MONDO:0003582. Disease mechanism: loss of function.
Breast-ovarian cancer, familial, susceptibility to, 1 (BROVCA1). Also called: BRCA1 Hereditary Breast and Ovarian Cancer; OVARIAN CANCER, SUSCEPTIBILITY TO. Identifiers: Orphanet 145, MedGen C2676676, MONDO:0011450, OMIM 604370. Disease mechanism: loss of function.

Submissions (10):

Evidence-based Network for the Interpretation of Germline Mutant Alleles (ENIGMA)
Classification: Pathogenic for Breast-ovarian cancer, familial 1. Last evaluated: 2015-08-10. Review status: reviewed by expert panel. Criteria: ENIGMA BRCA1/2 Classification Criteria (2015). Collection method: curation. Allele origin: germline.
Comment: IARC class based on posterior probability from multifactorial likelihood analysis, thresholds for class as per Plon et al. 2008 (PMID: 18951446). Class 5 based on posterior probability = 0.99

Center for Genomic Medicine, Rigshospitalet, Copenhagen University Hospital
Classification: Pathogenic. Last evaluated: 2025-12-29. Review status: criteria provided, single submitter. Criteria: ACMG Guidelines, 2015. Collection method: clinical testing. Allele origin: germline. Not counted in ClinVar's aggregate classification.

Ambry Genetics
Classification: Pathogenic for Hereditary cancer-predisposing syndrome. Last evaluated: 2025-11-06. Review status: criteria provided, single submitter. Criteria: Ambry Variant Classification Scheme 2023. Collection method: clinical testing. Allele origin: germline. Not counted in ClinVar's aggregate classification.
Comment: The p.S1715R pathogenic mutation (also known as c.5143A>C), located in coding exon 16 of the BRCA1 gene, results from an A to C substitution at nucleotide position 5143. The serine at codon 1715 is replaced by arginine, an amino acid with dissimilar properties. This variant was identified in one or more individuals with features consistent with BRCA1-related cancer predisposition and segregated with disease in at least one family (Vallon-Christersson J et al. Hum Mol Genet, 2001 Feb;10:353-60). One functional study found that this nucleotide substitution is non-functional in a high throughput genome editing haploid cell survival assay (Findlay GM et al. Nature, 2018 Oct;562:217-222). In multiple other assays testing BRCA1 function, this variant showed functionally abnormal results (Lee MS et al. Cancer Res, 2010 Jun;70:4880-90; Thouvenot P et al. PLoS Genet, 2016 Jun;12:e1006096; Anantha RW et al. Elife, 2017 Apr;6). This variant is considered to be rare based on population cohorts in the Genome Aggregation Database (gnomAD). This amino acid position is highly conserved in available vertebrate species. In addition, this alteration is predicted to be deleterious by in silico analysis. Based on the supporting evidence, this variant is interpreted as a disease-causing mutation.

Quest Diagnostics Nichols Institute San Juan Capistrano
Classification: Pathogenic. Last evaluated: 2025-04-12. Review status: criteria provided, single submitter. Criteria: Quest Diagnostics criteria. Collection method: clinical testing. Allele origin: unknown. Not counted in ClinVar's aggregate classification.
Comment: The BRCA1 c.5143A>C (p.Ser1715Arg) variant has been reported in the published literature in individuals with breast or ovarian cancer (PMID: 11157798 (2001), 29446198 (2018), 18465347 (2008)). Assessment of experimental evidence suggests this variant results in abnormal protein function (PMID: 20516115 (2010), 11157798 (2001)) and has been demonstrated that this variant lost functional activity in a large-scale study using a haploid cell line (PMID: 30209399 (2018)). The variant is located in a region that is considered important for protein function and/or structure (PMID: 15133502 (2004), 25927356 (2015)). In some published literature, this variant is referred to as c.5262A>C (PMID: 18465347 (2008), 11157798 (2001)). This variant has not been reported in large, multi-ethnic general populations (Genome Aggregation Database). Analysis of this variant using bioinformatics tools for the prediction of the effect of amino acid changes on protein structure and function yielded conflicting predictions that this variant is deleterious or benign. Based on the available information, this variant is classified as pathogenic.

Department of Clinical Genetics, Copenhagen University Hospital, Rigshospitalet
Classification: Pathogenic for Breast-ovarian cancer, familial, susceptibility to, 1. Last evaluated: 2024-05-27. Review status: criteria provided, single submitter. Criteria: ACMG Guidelines, 2015. Collection method: clinical testing. Allele origin: germline. Affected: yes. Not counted in ClinVar's aggregate classification.
Comment: PP3; PS3; PP1_Strong; PM2_Supporting

Labcorp Genetics (formerly Invitae), Labcorp
Classification: Pathogenic for Hereditary breast ovarian cancer syndrome. Last evaluated: 2023-01-10. Review status: criteria provided, single submitter. Criteria: Invitae Variant Classification Sherloc (09022015). Collection method: clinical testing. Allele origin: germline. Not counted in ClinVar's aggregate classification.
Comment: This sequence change replaces serine, which is neutral and polar, with arginine, which is basic and polar, at codon 1715 of the BRCA1 protein (p.Ser1715Arg). This variant is not present in population databases (gnomAD no frequency). This missense change has been observed in individual(s) with breast and/or ovarian cancer (PMID: 11157798, 29176636). It has also been observed to segregate with disease in related individuals. This variant is also known as 5262A>C. ClinVar contains an entry for this variant (Variation ID: 55414). Advanced modeling performed at Invitae incorporating data from internal and/or published experimental studies (PMID: 30209399) indicates that this missense variant is expected to disrupt BRCA1 function. Experimental studies have shown that this missense change affects BRCA1 function (PMID: 11157798, 20516115, 30209399). For these reasons, this variant has been classified as Pathogenic.

Consortium of Investigators of Modifiers of BRCA1/2 (CIMBA), c/o University of Cambridge
Classification: Pathogenic for Breast-ovarian cancer, familial, susceptibility to, 1. Last evaluated: 2015-10-02. Review status: criteria provided, single submitter. Criteria: CIMBA Mutation Classification guidelines May 2016. Collection method: clinical testing. Allele origin: germline. Not counted in ClinVar's aggregate classification.

BRCAlab, Lund University
Classification: Pathogenic for Breast-ovarian cancer, familial, susceptibility to, 1. Last evaluated: 2020-03-02. Review status: no assertion criteria provided. Collection method: clinical testing. Allele origin: germline. Affected: yes. Not counted in ClinVar's aggregate classification.

Breast Cancer Information Core (BIC) (BRCA1)
Classification: Uncertain significance for Breast-ovarian cancer, familial 1. Review status: no assertion criteria provided. Collection method: clinical testing. Allele origin: germline. Affected: yes. Observed: 1 variant allele. Not counted in ClinVar's aggregate classification.

Brotman Baty Institute, University of Washington
No classification provided (evidence only). Condition: Breast-ovarian cancer, familial 1. Review status: no classification provided. Collection method: in vitro. Allele origin: not applicable. Functional consequence: functionally_abnormal. Not counted in ClinVar's aggregate classification.
ClinVar note: "not provided" was previously submitted as the classification for the variant. However, the classification appeared to be based only on an observation of functional data so it was converted to no classification on 2025-07-30.

Literature cited by the submitters: PubMed 21990134 (cited by Evidence-based Network for the Interpretation of Germline Mutant Alleles (ENIGMA)); PubMed 30209399 (cited by 4 submitters); PubMed 32546644 (cited by Center for Genomic Medicine, Rigshospitalet, Copenhagen University Hospital); PubMed 11157798 (cited by 3 submitters); PubMed 20516115 (cited by 3 submitters); PubMed 27272900 (cited by Ambry Genetics); PubMed 28398198 (cited by Ambry Genetics); PubMed 29446198 (cited by Quest Diagnostics Nichols Institute San Juan Capistrano); PubMed 17924331 (cited by Quest Diagnostics Nichols Institute San Juan Capistrano); PubMed 29176636 (cited by Quest Diagnostics Nichols Institute San Juan Capistrano and Labcorp Genetics (formerly Invitae), Labcorp); PubMed 18465347 (cited by Quest Diagnostics Nichols Institute San Juan Capistrano).